The following is an entry in ClinVar:

ClinVar aggregate classification (germline): Uncertain significance (1 of 4 stars; one submission).

Conditions:
Fanconi anemia (FA). Also called: Fanconi's anemia. Identifiers: Orphanet 84, MedGen C0015625, MeSH D005199, MONDO:0019391.

Submission:

Labcorp Genetics (formerly Invitae), Labcorp
Classification: Uncertain significance for Fanconi anemia. Last evaluated: 2021-08-30. Review status: criteria provided, single submitter. Criteria: Invitae Variant Classification Sherloc (09022015). Collection method: clinical testing. Allele origin: germline.
Comment: This sequence change replaces serine with cysteine at codon 599 of the FANCA protein (p.Ser599Cys). The serine residue is weakly conserved and there is a moderate physicochemical difference between serine and cysteine. This variant is not present in population databases (ExAC no frequency). This variant has not been reported in the literature in individuals affected with FANCA-related conditions. Algorithms developed to predict the effect of missense changes on protein structure and function are either unavailable or do not agree on the potential impact of this missense change (SIFT: "Tolerated"; PolyPhen-2: "Possibly Damaging"; Align-GVGD: "Class C0"). In summary, the available evidence is currently insufficient to determine the role of this variant in disease. Therefore, it has been classified as a Variant of Uncertain Significance.

NM_000135.4(FANCA):c.1796C>G (p.Ser599Cys)

Gene: FANCA (FA complementation group A; minus strand). Cytogenetic location: 16q24.3.
Variant type: single nucleotide variant.
Coding change: c.1796C>G on transcript NM_000135.4 (MANE Select); coding-DNA position 1796, C replaced by G.
Protein change: p.Ser599Cys; replaces serine 599 with cysteine.
Molecular consequence: missense variant.
Genome position (GRCh38, 1-based): chr16:89,778,831, G>C on the plus strand (C>G on the coding strand, the complement: FANCA is on the minus strand). VCF-style: chr16-89778831-G-C. GRCh37 (hg19) VCF-style: chr16-89845239-G-C.
Other names: c.1796C>G (LRG_495t1); c.1796C>G, p.Ser599Cys (NM_001286167.3); short protein forms S599C.
Identifiers: ClinVar variation 660334 (VCV000660334.6), dbSNP rs562319781, ClinGen allele CA397454502.